The following is an entry in ClinVar:

NM_004656.4(BAP1):c.2145T>C (p.Pro715=)

Gene: BAP1 (BRCA1 associated deubiquitinase 1; minus strand). Cytogenetic location: 3p21.1.
Variant type: single nucleotide variant.
Coding change: c.2145T>C on transcript NM_004656.4 (MANE Select); coding-DNA position 2145, T replaced by C.
Protein change: p.Pro715=; no amino-acid change (proline 715 retained).
Molecular consequence: synonymous variant.
Genome position (GRCh38, 1-based): chr3:52,402,333, A>G on the plus strand (T>C on the coding strand, the complement: BAP1 is on the minus strand). VCF-style: chr3-52402333-A-G. GRCh37 (hg19) VCF-style: chr3-52436349-A-G.
Other names: c.2145T>C (LRG_529t1).
Identifiers: ClinVar variation 385113 (VCV000385113.19), dbSNP rs1057522124, ClinGen allele CA16604982.

ClinVar aggregate classification (germline): Benign/Likely benign. Review status: criteria provided, multiple submitters, no conflicts (2 of 4 stars). 6 submissions from 6 submitters: Benign (1); Likely benign (5). Last evaluated 2025-10-06.

Conditions:
BAP1-related disorder. Also called: BAP1-related condition.
Hereditary cancer-predisposing syndrome. Also called: Neoplastic Syndromes, Hereditary; Tumor predisposition; Hereditary Cancer Syndrome; Hereditary neoplastic syndrome. Identifiers: Orphanet 140162, MedGen C0027672, MeSH D009386, MONDO:0015356.
BAP1-related tumor predisposition syndrome (TPDS1). Also called: Tumor susceptibility linked to germline BAP1 mutations; BAP1 tumor predisposition syndrome; COMMON Syndrome; TUMOR PREDISPOSITION SYNDROME 1. Identifiers: Orphanet 289539, MedGen C3280492, MONDO:0013692, OMIM 614327.

Allele frequency attached by ClinVar (database versions not stated): TOPMed below 0.00001; gnomAD exomes 0.00001 and 0.00003.
gnomAD v4.1: 37 of 1,592,156 alleles (0.0023%); highest among the groups gnomAD compares: Non-Finnish European, 0.003%; no homozygotes.

Submissions (6):

Labcorp Genetics (formerly Invitae), Labcorp
Classification: Likely benign for BAP1-related tumor predisposition syndrome. Last evaluated: 2025-10-06. Review status: criteria provided, single submitter. Criteria: Invitae Variant Classification Sherloc (09022015). Collection method: clinical testing. Allele origin: germline.

PreventionGenetics, part of Exact Sciences
Classification: Likely benign for BAP1-related condition. Last evaluated: 2025-08-04. Review status: criteria provided, single submitter. Criteria: ACMG Guidelines, 2015. Collection method: clinical testing. Allele origin: germline.
Comment: This variant is classified as likely benign based on ACMG/AMP sequence variant interpretation guidelines (Richards et al. 2015 PMID: 25741868, with internal and published modifications).

Myriad Genetics, Inc.
Classification: Benign for BAP1-related tumor predisposition syndrome. Last evaluated: 2024-07-18. Review status: criteria provided, single submitter. Criteria: Myriad Autosomal Dominant, Autosomal Recessive and X-Linked Classification Criteria (2023). Collection method: clinical testing. Allele origin: unknown.
Comment: This variant is considered benign. This variant is a silent/synonymous amino acid change and it is not expected to impact splicing.

Color Diagnostics, LLC DBA Color Health
Classification: Likely benign for Hereditary cancer-predisposing syndrome. Last evaluated: 2018-04-20. Review status: criteria provided, single submitter. Criteria: ACMG Guidelines, 2015. Collection method: clinical testing. Allele origin: germline.

GeneDx
Classification: Likely benign. Last evaluated: 2018-02-23. Review status: criteria provided, single submitter. Criteria: GeneDx Variant Classification (06012015). Collection method: clinical testing. Allele origin: germline. Affected: yes.
Comment: This variant is considered likely benign or benign based on one or more of the following criteria: it is a conservative change, it occurs at a poorly conserved position in the protein, it is predicted to be benign by multiple in silico algorithms, and/or has population frequency not consistent with disease.

Ambry Genetics
Classification: Likely benign for Hereditary cancer-predisposing syndrome. Last evaluated: 2017-01-04. Review status: criteria provided, single submitter. Criteria: Ambry Variant Classification Scheme 2023. Collection method: clinical testing. Allele origin: germline.